The following is an entry in ClinVar:

ClinVar aggregate classification (germline): Likely pathogenic (1 of 4 stars; one submission).

Submission:

GeneDx
Classification: Likely pathogenic. Last evaluated: 2025-02-12. Review status: criteria provided, single submitter. Criteria: GeneDx Variant Classification Process June 2021. Collection method: clinical testing. Allele origin: germline. Affected: yes.
Comment: Nonsense variant predicted to result in protein truncation or nonsense mediated decay in a gene for which loss of function is a known mechanism of disease; Not observed at significant frequency in large population cohorts (gnomAD); Has not been previously published as pathogenic or benign to our knowledge

NM_006035.4(CDC42BPB):c.1258C>T (p.Gln420Ter)

Gene: CDC42BPB (CDC42 binding protein kinase beta; minus strand). Cytogenetic location: 14q32.32.
Variant type: single nucleotide variant.
Coding change: c.1258C>T on transcript NM_006035.4 (MANE Select); coding-DNA position 1258, C replaced by T.
Protein change: p.Gln420Ter; replaces glutamine 420 with a stop codon.
Molecular consequence: nonsense.
Genome position (GRCh38, 1-based): chr14:102,976,012, G>A on the plus strand (C>T on the coding strand, the complement: CDC42BPB is on the minus strand). VCF-style: chr14-102976012-G-A. GRCh37 (hg19) VCF-style: chr14-103442349-G-A.
Other names: c.1258C>T, p.Gln420Ter (NM_001411054.1); short protein forms Q420*.
Identifiers: ClinVar variation 4075550 (VCV004075550.1).